The following is an entry in ClinVar:

NM_001378609.3(OTOGL):c.3889T>C (p.Trp1297Arg)

Gene: OTOGL (otogelin like; plus strand). Cytogenetic location: 12q21.31.
Variant type: single nucleotide variant.
Coding change: c.3889T>C on transcript NM_001378609.3 (MANE Select); coding-DNA position 3889, T replaced by C.
Protein change: p.Trp1297Arg; replaces tryptophan 1297 with arginine.
Molecular consequence: missense variant.
Genome position (GRCh38, 1-based): chr12:80,320,508, T>C. VCF-style: chr12-80320508-T-C. GRCh37 (hg19) VCF-style: chr12-80714288-T-C.
Other names: c.3754T>C, p.Trp1252Arg (NM_001368062.3); c.3889T>C, p.Trp1297Arg (NM_001378610.3, NM_173591.7); short protein forms W1252R, W1297R.
Identifiers: ClinVar variation 1707987 (VCV001707987.5), dbSNP rs148064564, ClinGen allele CA6701201.

ClinVar aggregate classification (germline): Uncertain significance. Review status: criteria provided, multiple submitters, no conflicts (2 of 4 stars). 3 submissions from 3 submitters: Uncertain significance (3). Last evaluated 2026-08-19.

Conditions:
Inborn genetic diseases. Identifiers: MedGen C0950123, MeSH D030342.

gnomAD v4.1: 261 of 1,613,520 alleles (0.016%); highest among the groups gnomAD compares: Non-Finnish European, 0.021%; no homozygotes.

Submissions (3):

GeneDx
Classification: Uncertain significance. Last evaluated: 2026-08-19. Review status: criteria provided, single submitter. Criteria: GeneDx Variant Classification Process June 2021. Collection method: clinical testing. Allele origin: germline.
Comment: In silico analysis supports that this missense variant has a deleterious effect on protein structure/function; Has not been previously published as pathogenic or benign to our knowledge

Ambry Genetics
Classification: Uncertain significance for Inborn genetic diseases. Last evaluated: 2023-11-14. Review status: criteria provided, single submitter. Criteria: Ambry Variant Classification Scheme 2023. Collection method: clinical testing. Allele origin: germline.

Labcorp Genetics (formerly Invitae), Labcorp
Classification: Uncertain significance. Last evaluated: 2022-01-21. Review status: criteria provided, single submitter. Criteria: Invitae Variant Classification Sherloc (09022015). Collection method: clinical testing. Allele origin: germline.
Comment: This sequence change replaces tryptophan, which is neutral and slightly polar, with arginine, which is basic and polar, at codon 1288 of the OTOGL protein (p.Trp1288Arg). This variant is present in population databases (rs148064564, gnomAD 0.009%). This variant has not been reported in the literature in individuals affected with OTOGL-related conditions. Algorithms developed to predict the effect of missense changes on protein structure and function are either unavailable or do not agree on the potential impact of this missense change (SIFT: "Deleterious"; PolyPhen-2: "Probably Damaging"; Align-GVGD: "Class C0"). In summary, the available evidence is currently insufficient to determine the role of this variant in disease. Therefore, it has been classified as a Variant of Uncertain Significance.